The following is an entry in ClinVar:

NM_001370658.1(BTD):c.369C>G (p.Cys123Trp)

Gene: BTD (biotinidase; plus strand). Cytogenetic location: 3p25.1.
Variant type: single nucleotide variant.
Coding change: c.369C>G on transcript NM_001370658.1 (MANE Select); coding-DNA position 369, C replaced by G.
Protein change: p.Cys123Trp; replaces cysteine 123 with tryptophan.
Molecular consequence: missense variant.
Genome position (GRCh38, 1-based): chr3:15,642,027, C>G. VCF-style: chr3-15642027-C-G. GRCh37 (hg19) VCF-style: chr3-15683534-C-G.
Other names: c.429C>G, p.Cys143Trp (NM_000060.4); c.369C>G, p.Cys123Trp (NM_001281723.4, NM_001281724.3, NM_001281725.3 and 36 more transcripts); c.432C>G, p.Cys144Trp (NM_001407381.1); short protein forms C144W, C143W, C123W.
Identifiers: ClinVar variation 1963844 (VCV001963844.4), dbSNP rs2471490442, ClinGen allele CA351605741.

ClinVar aggregate classification (germline): Uncertain significance. Review status: criteria provided, multiple submitters, no conflicts (2 of 4 stars). 2 submissions from 2 submitters: Uncertain significance (2). Last evaluated 2025-04-22.

Conditions:
Biotinidase deficiency. Also called: BTD deficiency; Late-onset biotin-responsive multiple carboxylase deficiency; Biotin deficiency. Identifiers: Orphanet 79241, MedGen C0220754, MONDO:0009665, OMIM 253260.

Allele frequency attached by ClinVar (database versions not stated): gnomAD exomes below 0.00001.
gnomAD v4.1: 3 of 1,614,206 alleles (0.00019%); highest among the groups gnomAD compares: Non-Finnish European, 0.00025%; no homozygotes.

Submissions (2):

Women's Health and Genetics/Laboratory Corporation of America, LabCorp
Classification: Uncertain significance. Last evaluated: 2025-04-22. Review status: criteria provided, single submitter. Criteria: LabCorp Variant Classification Summary - May 2015. Collection method: clinical testing. Allele origin: germline.
Comment: Variant summary: BTD c.369C>G (p.Cys123Trp) results in a non-conservative amino acid change in the encoded protein sequence. Five of five in-silico tools predict a damaging effect of the variant on protein function. The variant was absent in 251340 control chromosomes. The available data on variant occurrences in the general population are insufficient to allow any conclusion about variant significance. c.369C>G has been observed in individual(s) affected with Biotinidase Deficiency (example: Sharma_2024). These data do not allow any conclusion about variant significance. To our knowledge, no experimental evidence demonstrating an impact on protein function has been reported. The following publication has been ascertained in the context of this evaluation (PMID: 38299772). ClinVar contains an entry for this variant (Variation ID: 1963844). Based on the evidence outlined above, the variant was classified as uncertain significance.

Labcorp Genetics (formerly Invitae), Labcorp
Classification: Uncertain significance for Biotinidase deficiency. Last evaluated: 2022-03-15. Review status: criteria provided, single submitter. Criteria: Invitae Variant Classification Sherloc (09022015). Collection method: clinical testing. Allele origin: germline.
Comment: This sequence change replaces cysteine, which is neutral and slightly polar, with tryptophan, which is neutral and slightly polar, at codon 143 of the BTD protein (p.Cys143Trp). This variant is not present in population databases (gnomAD no frequency). This variant has not been reported in the literature in individuals affected with BTD-related conditions. Algorithms developed to predict the effect of missense changes on protein structure and function (SIFT, PolyPhen-2, Align-GVGD) all suggest that this variant is likely to be disruptive. In summary, the available evidence is currently insufficient to determine the role of this variant in disease. Therefore, it has been classified as a Variant of Uncertain Significance.

Literature cited by the submitters: PubMed 38299772 (cited by Women's Health and Genetics/Laboratory Corporation of America, LabCorp).